The following is an entry in ClinVar:

NM_001430.5(EPAS1):c.971C>T (p.Thr324Met)

Gene: EPAS1 (endothelial PAS domain protein 1; plus strand). Cytogenetic location: 2p21.
Variant type: single nucleotide variant.
Coding change: c.971C>T on transcript NM_001430.5 (MANE Select); coding-DNA position 971, C replaced by T.
Protein change: p.Thr324Met; replaces threonine 324 with methionine.
Molecular consequence: missense variant.
Genome position (GRCh38, 1-based): chr2:46,375,774, C>T. VCF-style: chr2-46375774-C-T. GRCh37 (hg19) VCF-style: chr2-46602913-C-T.
Other names: short protein forms T324M.
Identifiers: ClinVar variation 1767969 (VCV001767969.2), dbSNP rs766854881, ClinGen allele CA1644830.
Genomic context (GRCh38, chr2:46,375,774, plus strand): 5'-GTGGCCAGTACCGGATGCTCGCAAAGCATGGGGGCTACGTGTGGCTGGAGACCCAGGGGA[C>T]GGTCATCTACAACCCTCGCAACCTGCAGCCCCAGTGCATCATGTGTGTCAACTACGTCCT-3'
Protein context (NP_001421.2, residues 314-334): GGYVWLETQG[Thr324Met]VIYNPRNLQP

ClinVar aggregate classification (germline): Uncertain significance (1 of 4 stars; one submission).

Conditions:
Inborn genetic diseases. Identifiers: MedGen C0950123, MeSH D030342.

Allele frequency attached by ClinVar (database versions not stated): gnomAD exomes 0.00001; ExAC 0.00002.
gnomAD v4.1: 11 of 1,614,202 alleles (0.00068%); highest among the groups gnomAD compares: Admixed American, 0.015%; no homozygotes.

Submission:

Ambry Genetics
Classification: Uncertain significance for Inborn genetic diseases. Last evaluated: 2021-07-31. Review status: criteria provided, single submitter. Criteria: Ambry Variant Classification Scheme 2023. Collection method: clinical testing. Allele origin: germline.
Comment: The p.T324M variant (also known as c.971C>T), located in coding exon 8 of the EPAS1 gene, results from a C to T substitution at nucleotide position 971. The threonine at codon 324 is replaced by methionine, an amino acid with similar properties. This amino acid position is conserved. In addition, the in silico prediction for this alteration is inconclusive. Since supporting evidence is limited at this time, the clinical significance of this alteration remains unclear.